The following is an entry in ClinVar:

ClinVar aggregate classification (germline): Pathogenic (1 of 4 stars; one submission).

Conditions:
Neurofibromatosis, type 1 (NF1). Also called: VON RECKLINGHAUSEN DISEASE; NEUROFIBROMATOSIS, TYPE I, SOMATIC; Peripheral type neurofibromatosis; Neurofibromatosis, type I. Identifiers: Orphanet 636, MedGen C0027831, MONDO:0018975, OMIM 162200. Disease mechanism: loss of function.

Submission:

Labcorp Genetics (formerly Invitae), Labcorp
Classification: Pathogenic for Neurofibromatosis, type 1. Last evaluated: 2017-11-17. Review status: criteria provided, single submitter. Criteria: Invitae Variant Classification Sherloc (09022015). Collection method: clinical testing. Allele origin: germline.
Comment: This variant is a gross duplication of the genomic region encompassing exons 33-35 of the NF1 gene. While the exact position of the duplicated exons cannot be determined from this data, sub-genic duplications are generally in tandem (PMID: 25640679) and may result in an absent or disrupted protein product. This variant has not been reported in the literature in individuals with NF1-related disease. However, itt has been found to segregate with NF1-related disease in a single family (Invitae). Experimental studies have not been reported for this copy number gain and it is currently uncertain if it results in a disrupted protein. Loss-of-function variants in NF1 are known to be pathogenic (PMID: 10712197, 23913538). For these reasons, this variant has been classified as Pathogenic.

NC_000017.10:g.(?_29587367)_(29592377_?)dup

Gene: NF1 (neurofibromin 1; plus strand). Cytogenetic location: 17q11.2.
Variant type: Duplication.
Identifiers: ClinVar variation 527684 (VCV000527684.1).